The following is an entry in ClinVar:

NM_000214.3(JAG1):c.59T>G (p.Leu20Arg)

Gene: JAG1 (jagged canonical Notch ligand 1; minus strand). Cytogenetic location: 20p12.2.
Variant type: single nucleotide variant.
Coding change: c.59T>G on transcript NM_000214.3 (MANE Select); coding-DNA position 59, T replaced by G.
Protein change: p.Leu20Arg; replaces leucine 20 with arginine.
Molecular consequence: missense variant.
Genome position (GRCh38, 1-based): chr20:10,673,472, A>C on the plus strand (T>G on the coding strand, the complement: JAG1 is on the minus strand). VCF-style: chr20-10673472-A-C. GRCh37 (hg19) VCF-style: chr20-10654120-A-C.
Other names: short protein forms L20R.
Identifiers: ClinVar variation 3573090 (VCV003573090.2).

Conditions:
Arteriohepatic dysplasia. Also called: Alagille Syndrome. Identifiers: Orphanet 52, MedGen C0085280, MeSH D016738, MONDO:0007318.

Submission:

Gilbert/Spinner Lab, Children's Hospital of Philadelphia
No classification provided (evidence only). Condition: Alagille syndrome. Review status: no classification provided. Collection method: research. Allele origin: not applicable. Functional consequence: functionally_abnormal.
ClinVar note: "not provided" was previously submitted as the classification for the variant. However, the classification appeared to be based only on an observation of functional data so it was converted to no classification on 2025-07-30.